The following is an entry in ClinVar:

NM_016628.5(WAC):c.1566A>T (p.Arg522Ser)

Gene: WAC (WW domain containing adaptor with coiled-coil; plus strand). Cytogenetic location: 10p12.1.
Variant type: single nucleotide variant.
Coding change: c.1566A>T on transcript NM_016628.5 (MANE Select); coding-DNA position 1566, A replaced by T.
Protein change: p.Arg522Ser; replaces arginine 522 with serine.
Molecular consequence: missense variant.
Genome position (GRCh38, 1-based): chr10:28,616,182, A>T. VCF-style: chr10-28616182-A-T. GRCh37 (hg19) VCF-style: chr10-28905111-A-T.
Other names: c.1431A>T, p.Arg477Ser (NM_100264.3); c.1257A>T, p.Arg419Ser (NM_100486.4); short protein forms R419S, R477S, R522S.
Identifiers: ClinVar variation 3363591 (VCV003363591.1).

ClinVar aggregate classification (germline): Uncertain significance (1 of 4 stars; one submission).

Submission:

GeneDx
Classification: Uncertain significance. Last evaluated: 2023-10-29. Review status: criteria provided, single submitter. Criteria: GeneDx Variant Classification Process June 2021. Collection method: clinical testing. Allele origin: germline. Affected: yes.
Comment: Not observed at significant frequency in large population cohorts (gnomAD); In silico analysis supports that this missense variant does not alter protein structure/function; In silico analysis is inconclusive as to whether the variant alters gene splicing. In the absence of RNA/functional studies, the actual effect of this sequence change is unknown.; Has not been previously published as pathogenic or benign to our knowledge